The following is an entry in ClinVar:

NM_004360.5(CDH1):c.1500_1501delinsA (p.Val501fs)

Gene: CDH1 (cadherin 1; plus strand). Cytogenetic location: 16q22.1.
Variant type: Indel.
Coding change: c.1500_1501delinsA on transcript NM_004360.5 (MANE Select); coding-DNA positions 1500 to 1501, CG replaced by A.
Protein change: p.Val501fs; shifts the reading frame from valine 501.
Molecular consequence: frameshift variant. On other transcripts: 5 prime UTR variant (2).
Genome position (GRCh38, 1-based): chr16:68,815,694-68,815,695, CG replaced by A. VCF-style: chr16-68815694-CG-A. GRCh37 (hg19) VCF-style: chr16-68849597-CG-A.
Other names: c.1317_1318delinsA, p.Val440fs (NM_001317184.2); c.-49_-48delinsA (NM_001317185.2); c.-320_-319delinsA (NM_001317186.2); short protein forms V501fs, V440fs.
Identifiers: ClinVar variation 1773996 (VCV001773996.2), dbSNP rs2543931137, ClinGen allele CA2580091994.

ClinVar aggregate classification (germline): Pathogenic (1 of 4 stars; one submission).

Conditions:
Hereditary cancer-predisposing syndrome. Also called: Hereditary Cancer Syndrome; Hereditary neoplastic syndrome; Neoplastic Syndromes, Hereditary; Tumor predisposition. Identifiers: Orphanet 140162, MedGen C0027672, MeSH D009386, MONDO:0015356.

Submission:

Ambry Genetics
Classification: Pathogenic for Hereditary cancer-predisposing syndrome. Last evaluated: 2019-05-10. Review status: criteria provided, single submitter. Criteria: Ambry Variant Classification Scheme 2023. Collection method: clinical testing. Allele origin: germline.
Comment: The c.1500_1501delCGinsA pathogenic mutation, located in coding exon 10 of the CDH1 gene, results from the deletion of two nucleotides and insertion of one nucleotide causing a translational frameshift with a predicted alternate stop codon (p.V501Wfs*21). This alteration is expected to result in loss of function by premature protein truncation or nonsense-mediated mRNA decay. As such, this alteration is interpreted as a disease-causing mutation.